The following is an entry in ClinVar:

ClinVar aggregate classification (germline): Uncertain significance (1 of 4 stars; one submission).

Conditions:
Inborn genetic diseases. Identifiers: MedGen C0950123, MeSH D030342.

gnomAD v4.1: 1 of 1,606,350 alleles (0.000062%); highest among the groups gnomAD compares: Non-Finnish European, 0.000085%; no homozygotes.

Submission:

Ambry Genetics
Classification: Uncertain significance for Inborn genetic diseases. Last evaluated: 2025-07-19. Review status: criteria provided, single submitter. Criteria: Ambry Variant Classification Scheme 2023. Collection method: clinical testing. Allele origin: germline.
Comment: The p.T131N variant (also known as c.392C>A), located in coding exon 2 of the ERCC6L2 gene, results from a C to A substitution at nucleotide position 392. The threonine at codon 131 is replaced by asparagine, an amino acid with similar properties. This amino acid position is conserved. In addition, the in silico prediction for this alteration is inconclusive. Based on the available evidence, the clinical significance of this variant remains unclear.

NM_020207.7(ERCC6L2):c.392C>A (p.Thr131Asn)

Gene: ERCC6L2 (ERCC excision repair 6 like 2; plus strand). Cytogenetic location: 9q22.32.
Variant type: single nucleotide variant.
Coding change: c.392C>A on transcript NM_020207.7 (MANE Select); coding-DNA position 392, C replaced by A.
Protein change: p.Thr131Asn; replaces threonine 131 with asparagine.
Molecular consequence: missense variant. On other transcripts: non-coding transcript variant (1).
Genome position (GRCh38, 1-based): chr9:95,881,214, C>A. VCF-style: chr9-95881214-C-A. GRCh37 (hg19) VCF-style: chr9-98643496-C-A.
Other names: c.392C>A, p.Thr131Asn (NM_001010895.4, NM_001375291.1, NM_001375292.1 and 2 more transcripts); short protein forms T131N.
Identifiers: ClinVar variation 4250592 (VCV004250592.1).